The following is an entry in ClinVar:

NM_014806.5(RUSC2):c.86G>A (p.Cys29Tyr)

Gene: RUSC2 (RUN and SH3 domain containing 2; plus strand). Cytogenetic location: 9p13.3.
Variant type: single nucleotide variant.
Coding change: c.86G>A on transcript NM_014806.5 (MANE Select); coding-DNA position 86, G replaced by A.
Protein change: p.Cys29Tyr; replaces cysteine 29 with tyrosine.
Molecular consequence: missense variant. On other transcripts: non-coding transcript variant (1), intron variant (1).
Genome position (GRCh38, 1-based): chr9:35,546,607, G>A. VCF-style: chr9-35546607-G-A. GRCh37 (hg19) VCF-style: chr9-35546604-G-A.
Other names: c.86G>A, p.Cys29Tyr (NM_001135999.2); c.-620-8453G>A (NM_001330740.2); short protein forms C29Y.
Identifiers: ClinVar variation 2127041 (VCV002127041.2), dbSNP rs2490378777, ClinGen allele CA373325773.

ClinVar aggregate classification (germline): Uncertain significance (1 of 4 stars; one submission).

Submission:

Labcorp Genetics (formerly Invitae), Labcorp
Classification: Uncertain significance. Last evaluated: 2022-04-16. Review status: criteria provided, single submitter. Criteria: Invitae Variant Classification Sherloc (09022015). Collection method: clinical testing. Allele origin: germline.
Comment: This sequence change replaces cysteine, which is neutral and slightly polar, with tyrosine, which is neutral and polar, at codon 29 of the RUSC2 protein (p.Cys29Tyr). This variant is not present in population databases (gnomAD no frequency). This variant has not been reported in the literature in individuals affected with RUSC2-related conditions. Algorithms developed to predict the effect of missense changes on protein structure and function are either unavailable or do not agree on the potential impact of this missense change (SIFT: "Tolerated"; PolyPhen-2: "Possibly Damaging"; Align-GVGD: "Class C0"). In summary, the available evidence is currently insufficient to determine the role of this variant in disease. Therefore, it has been classified as a Variant of Uncertain Significance.